The following is an entry in ClinVar:

ClinVar aggregate classification (germline): Pathogenic (1 of 4 stars; one submission).

Conditions:
Capillary malformation-arteriovenous malformation syndrome. Also called: Capillary malformation-arteriovenous malformation. Identifiers: Orphanet 137667, MedGen C1842180, MONDO:0012016.

Submission:

Labcorp Genetics (formerly Invitae), Labcorp
Classification: Pathogenic for Capillary malformation-arteriovenous malformation syndrome. Last evaluated: 2025-05-17. Review status: criteria provided, single submitter. Criteria: Invitae Variant Classification Sherloc (09022015). Collection method: clinical testing. Allele origin: germline.
Comment: This sequence change creates a premature translational stop signal (p.Cys525Tyrfs*20) in the RASA1 gene. It is expected to result in an absent or disrupted protein product. Loss-of-function variants in RASA1 are known to be pathogenic (PMID: 24038909). This variant is not present in population databases (gnomAD no frequency). This premature translational stop signal has been observed in individual(s) with capillary malformation-arteriovenous malformation (PMID: 33799089). ClinVar contains an entry for this variant (Variation ID: 3729001). For these reasons, this variant has been classified as Pathogenic.

Literature cited by the submitters: PubMed 24038909; PubMed 33799089.

NM_002890.3(RASA1):c.1571_1572insCT (p.Cys525fs)

Genes: CCNH (cyclin H; minus strand), RASA1 (RAS p21 protein activator 1; plus strand). Cytogenetic location: 5q14.3.
Variant type: Insertion.
Coding change: c.1571_1572insCT on transcript NM_002890.3 (MANE Select); coding-DNA positions 1571 to 1572, CT inserted.
Protein change: p.Cys525fs; shifts the reading frame from cysteine 525.
Molecular consequence: frameshift variant. On other transcripts: intron variant (1).
Genome position: GRCh38 VCF-style: chr5-87363464-G-GTC. GRCh37 (hg19) VCF-style: chr5-86659281-G-GTC.
Other names: c.1040_1041insCT, p.Cys348fs (NM_022650.3); c.933+31579_933+31580insAG (NM_001364075.2); short protein forms C348fs, C525fs.
Identifiers: ClinVar variation 3729001 (VCV003729001.2).